The following is an entry in ClinVar:

ClinVar aggregate classification (germline): Pathogenic (1 of 4 stars; one submission).

Conditions:
Primary ciliary dyskinesia. Also called: Ciliary dyskinesia. Identifiers: Orphanet 244, MedGen C0008780, MONDO:0016575, HP:0012265.

Submission:

Labcorp Genetics (formerly Invitae), Labcorp
Classification: Pathogenic for Primary ciliary dyskinesia. Last evaluated: 2014-12-05. Review status: criteria provided, single submitter. Criteria: Invitae Variant Classification Sherloc (09022015). Collection method: clinical testing. Allele origin: germline.
Comment: For these reasons, this sequence change has been classified as Pathogenic. While this particular sequence change has not been reported in the literature, truncating sequence changes in CCDC39 are known to be pathogenic (PMID: 21131972). This sequence change inserts approximately 600 nucleotide in exon 10 of the CCDC39 mRNA (c.1208_1209ins(600)), causing a frameshift at codon 403. This creates a premature translational stop signal (p.Phe403Leufs*11) and is expected to result in an absent or disrupted protein product.

Literature cited by the submitters: PubMed 21131972.

NM_181426.2(CCDC39):c.1208_1209insGGTGTGCTGTTGCGTGAACCTGGGAGGCGGAGCTTGCAGTGAGCCGAGATCGCGCCACTGCACTCCAGCCTGGGCGACAGAGCGAGACTCCGTCTCAAAAAAAAAAAAAAAAAGGTGTGCTGTT (p.Phe403fs)

Gene: CCDC39 (coiled-coil domain 39 molecular ruler complex subunit; minus strand). Cytogenetic location: 3q26.33.
Variant type: Insertion.
Coding change: c.1208_1209insGGTGTGCTGTTGCGTGAACCTGGGAGGCGGAGCTTGCAGTGAGCCGAGATCGCGCCACTGCACTCCAGCCTGGGCGACAGAGCGAGACTCCGTCTCAAAAAAAAAAAAAAAAAGGTGTGCTGTT on transcript NM_181426.2 (MANE Select); coding-DNA positions 1208 to 1209, GGTGTGCTGTTGCGTGAACCTGGGAGGCGGAGCTTGCAGTGAGCCGAGATCGCGCCACTGCACTCCAGCCTGGGCGACAGAGCGAGACTCCGTCTCAAAAAAAAAAAAAAAAAGGTGTGCTGTT inserted.
Protein change: p.Phe403fs; shifts the reading frame from phenylalanine 403.
Molecular consequence: frameshift variant.
Genome position: GRCh38: chr3:180,648,333-180,648,334. GRCh37 (hg19): chr3:180,366,121-180,366,122.
Other names: short protein forms F403fs.
Identifiers: ClinVar variation 1073617 (VCV001073617.7), dbSNP rs2108421980, ClinGen allele CA2499216592.